The following is an entry in ClinVar:

NM_004982.4(KCNJ8):c.838A>G (p.Ile280Val)

Genes: KCNJ8 (potassium inwardly rectifying channel subfamily J member 8; minus strand), KCNJ8-AS1 (KCNJ8 antisense RNA 1; plus strand). Cytogenetic location: 12p12.1.
Variant type: single nucleotide variant.
Coding change: c.838A>G on transcript NM_004982.4 (MANE Select); coding-DNA position 838, A replaced by G.
Protein change: p.Ile280Val; replaces isoleucine 280 with valine.
Molecular consequence: missense variant.
Genome position (GRCh38, 1-based): chr12:21,766,160, T>C on the plus strand (A>G on the coding strand, the complement: KCNJ8 is on the minus strand). VCF-style: chr12-21766160-T-C. GRCh37 (hg19) VCF-style: chr12-21919094-T-C.
Other names: short protein forms I280V.
Identifiers: ClinVar variation 3532504 (VCV003532504.1).

ClinVar aggregate classification (germline): Uncertain significance (1 of 4 stars; one submission).

Conditions:
Cardiovascular phenotype. Identifiers: MedGen CN230736.

Submission:

Ambry Genetics
Classification: Uncertain significance for Cardiovascular phenotype. Last evaluated: 2024-09-08. Review status: criteria provided, single submitter. Criteria: Ambry Variant Classification Scheme 2023. Collection method: clinical testing. Allele origin: germline.
Comment: The p.I280V variant (also known as c.838A>G), located in coding exon 2 of the KCNJ8 gene, results from an A to G substitution at nucleotide position 838. The isoleucine at codon 280 is replaced by valine, an amino acid with highly similar properties. This amino acid position is conserved. In addition, the in silico prediction for this alteration is inconclusive. Based on the available evidence, the clinical significance of this variant remains unclear.